The following is an entry in ClinVar:

ClinVar aggregate classification (germline): Uncertain significance (1 of 4 stars; one submission).

Submission:

Labcorp Genetics (formerly Invitae), Labcorp
Classification: Uncertain significance. Last evaluated: 2023-12-19. Review status: criteria provided, single submitter. Criteria: Invitae Variant Classification Sherloc (09022015). Collection method: clinical testing. Allele origin: germline.
Comment: This sequence change replaces leucine, which is neutral and non-polar, with proline, which is neutral and non-polar, at codon 30 of the FAT4 protein (p.Leu30Pro). This variant is not present in population databases (gnomAD no frequency). This variant has not been reported in the literature in individuals affected with FAT4-related conditions. Advanced modeling of protein sequence and biophysical properties (such as structural, functional, and spatial information, amino acid conservation, physicochemical variation, residue mobility, and thermodynamic stability) performed at Invitae indicates that this missense variant is not expected to disrupt FAT4 protein function with a negative predictive value of 95%. In summary, the available evidence is currently insufficient to determine the role of this variant in disease. Therefore, it has been classified as a Variant of Uncertain Significance.

NM_001291303.3(FAT4):c.89T>C (p.Leu30Pro)

Gene: FAT4 (FAT atypical cadherin 4; plus strand). Cytogenetic location: 4q28.1.
Variant type: single nucleotide variant.
Coding change: c.89T>C on transcript NM_001291303.3 (MANE Select); coding-DNA position 89, T replaced by C.
Protein change: p.Leu30Pro; replaces leucine 30 with proline.
Molecular consequence: missense variant.
Genome position (GRCh38, 1-based): chr4:125,316,500, T>C. VCF-style: chr4-125316500-T-C. GRCh37 (hg19) VCF-style: chr4-126237655-T-C.
Other names: c.89T>C, p.Leu30Pro (NM_001291285.3, NM_024582.6); short protein forms L30P.
Identifiers: ClinVar variation 2704331 (VCV002704331.3), dbSNP rs2530418347, ClinGen allele CA358115081.